The following is an entry in ClinVar:

ClinVar aggregate classification (germline): Uncertain significance (1 of 4 stars; one submission).

Submission:

Labcorp Genetics (formerly Invitae), Labcorp
Classification: Uncertain significance. Last evaluated: 2024-01-03. Review status: criteria provided, single submitter. Criteria: Invitae Variant Classification Sherloc (09022015). Collection method: clinical testing. Allele origin: germline.
Comment: This sequence change replaces lysine, which is basic and polar, with asparagine, which is neutral and polar, at codon 805 of the KMT2E protein (p.Lys805Asn). This variant is not present in population databases (gnomAD no frequency). This variant has not been reported in the literature in individuals affected with KMT2E-related conditions. Advanced modeling of protein sequence and biophysical properties (such as structural, functional, and spatial information, amino acid conservation, physicochemical variation, residue mobility, and thermodynamic stability) performed at Invitae indicates that this missense variant is not expected to disrupt KMT2E protein function with a negative predictive value of 80%. In summary, the available evidence is currently insufficient to determine the role of this variant in disease. Therefore, it has been classified as a Variant of Uncertain Significance.

NM_182931.3(KMT2E):c.2415A>T (p.Lys805Asn)

Gene: KMT2E (lysine methyltransferase 2E (inactive); plus strand). Cytogenetic location: 7q22.3.
Variant type: single nucleotide variant.
Coding change: c.2415A>T on transcript NM_182931.3 (MANE Select); coding-DNA position 2415, A replaced by T.
Protein change: p.Lys805Asn; replaces lysine 805 with asparagine.
Molecular consequence: missense variant.
Genome position (GRCh38, 1-based): chr7:105,105,657, A>T. VCF-style: chr7-105105657-A-T. GRCh37 (hg19) VCF-style: chr7-104746104-A-T.
Other names: c.2415A>T, p.Lys805Asn (NM_001410908.1, NM_018682.4); short protein forms K805N.
Identifiers: ClinVar variation 2707137 (VCV002707137.3), dbSNP rs2536503237, ClinGen allele CA368786227.